The following is an entry in ClinVar:

NM_001110556.2(FLNA):c.524G>A (p.Trp175Ter)

Gene: FLNA (filamin A; minus strand). Cytogenetic location: Xq28.
Variant type: single nucleotide variant.
Coding change: c.524G>A on transcript NM_001110556.2 (MANE Select); coding-DNA position 524, G replaced by A.
Protein change: p.Trp175Ter; replaces tryptophan 175 with a stop codon.
Molecular consequence: nonsense.
Genome position (GRCh38, 1-based): chrX:154,367,940, C>T on the plus strand (G>A on the coding strand, the complement: FLNA is on the minus strand). VCF-style: chrX-154367940-C-T. GRCh37 (hg19) VCF-style: chrX-153596308-C-T.
Other names: c.524G>A, p.Trp175Ter (NM_001456.4); short protein forms W175*.
Identifiers: ClinVar variation 3095653 (VCV003095653.1), dbSNP rs2522765267, ClinGen allele CA415249622.
Genomic context (GRCh38, chrX:154,367,940, plus strand): 5'-CCGCTCTGCCAGTCCCGGCTGAAGTTGGTGATGGGCAGCTGCGGCAGCTTGTTCTGGATC[C>T]AGCCCAGGAGCCTCTGCTTGGGGGTCTGCTTCTTGGCCTCCTCATCCTCCTCCTCGTCCC-3'

ClinVar aggregate classification (germline): Pathogenic (1 of 4 stars; one submission).

Conditions:
Familial thoracic aortic aneurysm and aortic dissection (TAAD). Also called: Thoracic aortic aneurysms and dissections. Identifiers: Orphanet 91387, MedGen C4707243, MONDO:0019625.

Submission:

Ambry Genetics
Classification: Pathogenic for Familial thoracic aortic aneurysm and aortic dissection. Last evaluated: 2023-10-30. Review status: criteria provided, single submitter. Criteria: Ambry Variant Classification Scheme 2023. Collection method: clinical testing. Allele origin: germline.
Comment: The c.524G>A (p.W175*) alteration, located in exon 3 (coding exon 2) of the FLNA gene, consists of a G to A substitution at nucleotide position 524. This changes the amino acid from a tryptophan (W) to a stop codon at amino acid position 175. This alteration is expected to result in loss of function by premature protein truncation or nonsense-mediated mRNA decay._x000D_ _x000D_ _x000D_ _x000D_ _x000D_ _x000D_ for X-linked dominant FLNA-related periventricular nodular heterotopia; however, its clinical significance for X-linked dominant FLNA-related otopalatodigital spectrum disorders and X-linked recessive FLNA-related cardiac valvular dysplasia is uncertain. This variant was not reported in population-based cohorts in the Genome Aggregation Database (gnomAD). Based on the available evidence, this alteration is classified as pathogenic.